The following is an entry in ClinVar:

ClinVar aggregate classification (germline): Uncertain significance (1 of 4 stars; one submission).

Submission:

GeneDx
Classification: Uncertain significance. Last evaluated: 2025-07-17. Review status: criteria provided, single submitter. Criteria: GeneDx Variant Classification Process June 2021. Collection method: clinical testing. Allele origin: germline. Affected: yes.
Comment: Not observed at significant frequency in large population cohorts (gnomAD); In silico analysis suggests that this missense variant does not alter protein structure/function; Has not been previously published as pathogenic or benign to our knowledge

NM_020745.4(AARS2):c.2599G>T (p.Ala867Ser)

Gene: AARS2 (alanyl-tRNA synthetase 2, mitochondrial; minus strand). Cytogenetic location: 6p21.1.
Variant type: single nucleotide variant.
Coding change: c.2599G>T on transcript NM_020745.4 (MANE Select); coding-DNA position 2599, G replaced by T.
Protein change: p.Ala867Ser; replaces alanine 867 with serine.
Molecular consequence: missense variant.
Genome position (GRCh38, 1-based): chr6:44,301,464, C>A on the plus strand (G>T on the coding strand, the complement: AARS2 is on the minus strand). VCF-style: chr6-44301464-C-A. GRCh37 (hg19) VCF-style: chr6-44269201-C-A.
Other names: short protein forms A867S.
Identifiers: ClinVar variation 4686142 (VCV004686142.1).